The following is an entry in ClinVar:

NM_175875.5(SIX5):c.74C>A (p.Thr25Asn)

Genes: DM1-AS (DM1 locus antisense RNA; plus strand), SIX5 (SIX homeobox 5; minus strand), LOC107075317 (origin of replication in DMPK trinucleotide repeat region; plus strand), LOC129929037 (ATAC-STARR-seq lymphoblastoid silent region 10794; plus strand). Cytogenetic location: 19q13.32.
Variant type: single nucleotide variant.
Coding change: c.74C>A on transcript NM_175875.5 (MANE Select); coding-DNA position 74, C replaced by A.
Protein change: p.Thr25Asn; replaces threonine 25 with asparagine.
Molecular consequence: missense variant.
Genome position (GRCh38, 1-based): chr19:45,768,771, G>T on the plus strand (C>A on the coding strand, the complement: SIX5 is on the minus strand). VCF-style: chr19-45768771-G-T. GRCh37 (hg19) VCF-style: chr19-46272029-G-T.
Other names: c.74C>A (NM_175875.4); short protein forms T25N.
Identifiers: ClinVar variation 3702558 (VCV003702558.3).

ClinVar aggregate classification (germline): Uncertain significance. Review status: criteria provided, multiple submitters, no conflicts (2 of 4 stars). 2 submissions from 2 submitters: Uncertain significance (2). Last evaluated 2025-06-03.

Submissions (2):

Ambry Genetics
Classification: Uncertain significance. Last evaluated: 2025-06-03. Review status: criteria provided, single submitter. Criteria: Ambry Variant Classification Scheme 2023. Collection method: clinical testing. Allele origin: germline.

Labcorp Genetics (formerly Invitae), Labcorp
Classification: Uncertain significance. Last evaluated: 2024-05-31. Review status: criteria provided, single submitter. Criteria: Invitae Variant Classification Sherloc (09022015). Collection method: clinical testing. Allele origin: germline.
Comment: This sequence change replaces threonine, which is neutral and polar, with asparagine, which is neutral and polar, at codon 25 of the SIX5 protein (p.Thr25Asn). This variant is not present in population databases (gnomAD no frequency). This variant has not been reported in the literature in individuals affected with SIX5-related conditions. Experimental studies and prediction algorithms are not available or were not evaluated, and the functional significance of this variant is currently unknown. In summary, the available evidence is currently insufficient to determine the role of this variant in disease. Therefore, it has been classified as a Variant of Uncertain Significance.